The following is an entry in ClinVar:

ClinVar aggregate classification (germline): Uncertain significance. Review status: criteria provided, multiple submitters, no conflicts (2 of 4 stars). 2 submissions from 2 submitters: Uncertain significance (2). Last evaluated 2021-10-20.

Conditions:
Glycogen storage disease, type II (IOPD). Also called: Glucosidase acid-1,4-alpha deficiency; Pompe Disease; GLYCOGENOSIS, GENERALIZED, CARDIAC FORM; GSD II; POMPE DISEASE, INFANTILE-ONSET; GLYCOGEN STORAGE DISEASE II, INFANTILE-ONSET. Identifiers: Orphanet 365, MedGen C0017921, MONDO:0009290, OMIM 232300.

gnomAD v4.1: 4 of 1,594,610 alleles (0.00025%); highest among the groups gnomAD compares: African/African-American, 0.0053%; no homozygotes.

Submissions (2):

Labcorp Genetics (formerly Invitae), Labcorp
Classification: Uncertain significance for Glycogen storage disease, type II. Last evaluated: 2021-10-20. Review status: criteria provided, single submitter. Criteria: Invitae Variant Classification Sherloc (09022015). Collection method: clinical testing. Allele origin: germline.
Comment: This sequence change replaces valine with leucine at codon 230 of the GAA protein (p.Val230Leu). The valine residue is highly conserved and there is a small physicochemical difference between valine and leucine. This variant is not present in population databases (ExAC no frequency). This variant has not been reported in the literature in individuals affected with GAA-related conditions. Advanced modeling of protein sequence and biophysical properties (such as structural, functional, and spatial information, amino acid conservation, physicochemical variation, residue mobility, and thermodynamic stability) performed at Invitae indicates that this missense variant is not expected to disrupt GAA protein function. In summary, the available evidence is currently insufficient to determine the role of this variant in disease. Therefore, it has been classified as a Variant of Uncertain Significance.

Fulgent Genetics
Classification: Uncertain significance for Glycogen storage disease, type II. Last evaluated: 2021-08-03. Review status: criteria provided, single submitter. Criteria: ACMG Guidelines, 2015. Collection method: clinical testing. Allele origin: unknown.

NM_000152.5(GAA):c.688G>C (p.Val230Leu)

Gene: GAA (alpha glucosidase; plus strand). Cytogenetic location: 17q25.3.
Variant type: single nucleotide variant.
Coding change: c.688G>C on transcript NM_000152.5 (MANE Select); coding-DNA position 688, G replaced by C.
Protein change: p.Val230Leu; replaces valine 230 with leucine.
Molecular consequence: missense variant.
Genome position (GRCh38, 1-based): chr17:80,105,890, G>C. VCF-style: chr17-80105890-G-C. GRCh37 (hg19) VCF-style: chr17-78079689-G-C.
Other names: c.688G>C, p.Val230Leu (NM_001079803.3, NM_001079804.3); short protein forms V230L.
Identifiers: ClinVar variation 1440838 (VCV001440838.4), dbSNP rs145866792, ClinGen allele CA401362611.